The following is an entry in ClinVar:

NM_000435.3(NOTCH3):c.2838C>A (p.Phe946Leu)

Gene: NOTCH3 (notch receptor 3; minus strand). Cytogenetic location: 19p13.12.
Variant type: single nucleotide variant.
Coding change: c.2838C>A on transcript NM_000435.3 (MANE Select); coding-DNA position 2838, C replaced by A.
Protein change: p.Phe946Leu; replaces phenylalanine 946 with leucine.
Molecular consequence: missense variant.
Genome position (GRCh38, 1-based): chr19:15,181,117, G>T on the plus strand (C>A on the coding strand, the complement: NOTCH3 is on the minus strand). VCF-style: chr19-15181117-G-T. GRCh37 (hg19) VCF-style: chr19-15291928-G-T.
Other names: short protein forms F946L.
Identifiers: ClinVar variation 5009385 (VCV005009385.1).

ClinVar aggregate classification (germline): Uncertain significance (1 of 4 stars; one submission).

Submission:

GeneDx
Classification: Uncertain significance. Last evaluated: 2026-03-17. Review status: criteria provided, single submitter. Criteria: GeneDx Variant Classification Process June 2021. Collection method: clinical testing. Allele origin: germline.
Comment: Not observed at significant frequency in large population cohorts (gnomAD); In silico analysis supports that this missense variant has a deleterious effect on protein structure/function; Has not been previously published as pathogenic or benign to our knowledge